The following is an entry in ClinVar:

ClinVar aggregate classification (germline): Uncertain significance (1 of 4 stars; one submission).

Conditions:
Wilms tumor 1 (WT1). Also called: Wilms tumor, somatic. Identifiers: Orphanet 654, MedGen CN033288, MONDO:0008679, OMIM 194070.

Submission:

Labcorp Genetics (formerly Invitae), Labcorp
Classification: Uncertain significance for Wilms tumor 1. Last evaluated: 2021-01-31. Review status: criteria provided, single submitter. Criteria: Invitae Variant Classification Sherloc (09022015). Collection method: clinical testing. Allele origin: germline.
Comment: This sequence change replaces cysteine with tyrosine at codon 262 of the GPC3 protein (p.Cys262Tyr). The cysteine residue is highly conserved and there is a large physicochemical difference between cysteine and tyrosine. This variant is not present in population databases (ExAC no frequency). This variant has not been reported in the literature in individuals with GPC3-related conditions. Algorithms developed to predict the effect of missense changes on protein structure and function (SIFT, PolyPhen-2, Align-GVGD) all suggest that this variant is likely to be disruptive, but these predictions have not been confirmed by published functional studies and their clinical significance is uncertain. In summary, the available evidence is currently insufficient to determine the role of this variant in disease. Therefore, it has been classified as a Variant of Uncertain Significance.

NM_004484.4(GPC3):c.785G>A (p.Cys262Tyr)

Gene: GPC3 (glypican 3; minus strand). Cytogenetic location: Xq26.2.
Variant type: single nucleotide variant.
Coding change: c.785G>A on transcript NM_004484.4 (MANE Select); coding-DNA position 785, G replaced by A.
Protein change: p.Cys262Tyr; replaces cysteine 262 with tyrosine.
Molecular consequence: missense variant.
Genome position (GRCh38, 1-based): chrX:133,753,729, C>T on the plus strand (G>A on the coding strand, the complement: GPC3 is on the minus strand). VCF-style: chrX-133753729-C-T. GRCh37 (hg19) VCF-style: chrX-132887756-C-T.
Other names: c.785G>A, p.Cys262Tyr (NM_001164617.2); c.737G>A, p.Cys246Tyr (NM_001164618.2); c.623G>A, p.Cys208Tyr (NM_001164619.2); short protein forms C246Y, C208Y, C262Y.
Identifiers: ClinVar variation 1506102 (VCV001506102.8), dbSNP rs2071693746, ClinGen allele CA414705854.